The following is an entry in ClinVar:

ClinVar aggregate classification (germline): Uncertain significance (1 of 4 stars; one submission).

Submission:

GeneDx
Classification: Uncertain significance. Last evaluated: 2026-01-16. Review status: criteria provided, single submitter. Criteria: GeneDx Variant Classification Process June 2021. Collection method: clinical testing. Allele origin: germline.
Comment: Not observed at significant frequency in large population cohorts (gnomAD); In silico analysis suggests that this missense variant does not alter protein structure/function; Has not been previously reported as a pathogenic or benign germline variant to our knowledge; This variant is associated with the following publications: (PMID: 29057879)

NM_018130.3(SHQ1):c.682G>A (p.Ala228Thr)

Gene: SHQ1 (SHQ1, H/ACA ribonucleoprotein assembly factor; minus strand). Cytogenetic location: 3p13.
Variant type: single nucleotide variant.
Coding change: c.682G>A on transcript NM_018130.3 (MANE Select); coding-DNA position 682, G replaced by A.
Protein change: p.Ala228Thr; replaces alanine 228 with threonine.
Molecular consequence: missense variant.
Genome position (GRCh38, 1-based): chr3:72,824,469, C>T on the plus strand (G>A on the coding strand, the complement: SHQ1 is on the minus strand). VCF-style: chr3-72824469-C-T. GRCh37 (hg19) VCF-style: chr3-72873620-C-T.
Other names: short protein forms A228T.
Identifiers: ClinVar variation 3893398 (VCV003893398.2).